The following is an entry in ClinVar:

ClinVar aggregate classification (germline): Uncertain significance (1 of 4 stars; one submission).

Allele frequency attached by ClinVar (database versions not stated): gnomAD 0.00001; 1000 Genomes Project 30x 0.00016; 1000 Genomes Project 0.00020.
gnomAD v4.1: 1 of 1,613,754 alleles (0.000062%); highest among the groups gnomAD compares: East Asian, 0.0022%; no homozygotes.

Submission:

GeneDx
Classification: Uncertain significance. Last evaluated: 2022-01-24. Review status: criteria provided, single submitter. Criteria: GeneDx Variant Classification Process June 2021. Collection method: clinical testing. Allele origin: germline. Affected: yes.
Comment: Not observed at significant frequency in large population cohorts (gnomAD); In silico analysis supports that this missense variant does not alter protein structure/function; Has not been previously published as pathogenic or benign to our knowledge

NM_001352027.3(PHF21A):c.1334C>T (p.Thr445Ile)

Gene: PHF21A (PHD finger protein 21A; minus strand). Cytogenetic location: 11p11.2.
Variant type: single nucleotide variant.
Coding change: c.1334C>T on transcript NM_001352027.3 (MANE Select); coding-DNA position 1334, C replaced by T.
Protein change: p.Thr445Ile; replaces threonine 445 with isoleucine.
Molecular consequence: missense variant. On other transcripts: non-coding transcript variant (1), intron variant (6).
Genome position (GRCh38, 1-based): chr11:45,945,958, G>A on the plus strand (C>T on the coding strand, the complement: PHF21A is on the minus strand). VCF-style: chr11-45945958-G-A. GRCh37 (hg19) VCF-style: chr11-45967509-G-A.
Other names: c.1331C>T, p.Thr444Ile (NM_001101802.3); c.1334C>T, p.Thr445Ile (NM_001352025.3, NM_001352026.3); c.1308+118C>T (NM_001352030.3, NM_001352031.3, NM_001352032.3); c.1311+118C>T (NM_016621.5, NM_001352028.1, NM_001352029.1); short protein forms T444I, T445I.
Identifiers: ClinVar variation 1698219 (VCV001698219.2), dbSNP rs201263397, ClinGen allele CA221613182.